The following is an entry in ClinVar:

NM_006415.4(SPTLC1):c.496T>C (p.Tyr166His)

Gene: SPTLC1 (serine palmitoyltransferase long chain base subunit 1; minus strand). Cytogenetic location: 9q22.31.
Variant type: single nucleotide variant.
Coding change: c.496T>C on transcript NM_006415.4 (MANE Select); coding-DNA position 496, T replaced by C.
Protein change: p.Tyr166His; replaces tyrosine 166 with histidine.
Molecular consequence: missense variant.
Genome position (GRCh38, 1-based): chr9:92,068,030, A>G on the plus strand (T>C on the coding strand, the complement: SPTLC1 is on the minus strand). VCF-style: chr9-92068030-A-G. GRCh37 (hg19) VCF-style: chr9-94830312-A-G.
Other names: c.496T>C, p.Tyr166His (NM_001281303.2); c.130T>C, p.Tyr44His (NM_001368272.1); c.31T>C, p.Tyr11His (NM_001368273.1); short protein forms Y11H, Y44H, Y166H.
Identifiers: ClinVar variation 2062267 (VCV002062267.4), dbSNP rs771134850, ClinGen allele CA5121524.
Genomic context (GRCh38, chr9:92,068,030, plus strand): 5'-AAACAATGTCCCCTCTTTTAGAGTAAGCAGGAATAGCACTGGCTATGGTGGCAAATCCAT[A>G]TGAGTATATAATGGCTTCTTCTGTCTTCATAAATTTTGCCAGGCGGTCTTCCAAATCCAA-3'
Protein context (NP_006406.1, residues 156-176): MKTEEAIIYS[Tyr166His]GFATIASAIP

ClinVar aggregate classification (germline): Uncertain significance (1 of 4 stars; one submission).

Conditions:
Hereditary sensory and autonomic neuropathy type 1 (HSAN1). Also called: HSAN 1; HSN Type I; Hereditary Sensory Neuropathy Type I. Identifiers: Orphanet 36386, MedGen C0020071, MONDO:0018213.

Allele frequency attached by ClinVar (database versions not stated): gnomAD exomes 0.00001; ExAC 0.00001; TOPMed 0.00005.

Submission:

Labcorp Genetics (formerly Invitae), Labcorp
Classification: Uncertain significance for Hereditary sensory and autonomic neuropathy type 1. Last evaluated: 2022-06-13. Review status: criteria provided, single submitter. Criteria: Invitae Variant Classification Sherloc (09022015). Collection method: clinical testing. Allele origin: germline.
Comment: In summary, the available evidence is currently insufficient to determine the role of this variant in disease. Therefore, it has been classified as a Variant of Uncertain Significance. Algorithms developed to predict the effect of missense changes on protein structure and function are either unavailable or do not agree on the potential impact of this missense change (SIFT: "Tolerated"; PolyPhen-2: "Probably Damaging"; Align-GVGD: "Class C0"). This variant has not been reported in the literature in individuals affected with SPTLC1-related conditions. This variant is present in population databases (rs771134850, gnomAD 0.01%). This sequence change replaces tyrosine, which is neutral and polar, with histidine, which is basic and polar, at codon 166 of the SPTLC1 protein (p.Tyr166His).